The following is an entry in ClinVar:

NM_001035.3(RYR2):c.7326G>A (p.Met2442Ile)

Gene: RYR2 (ryanodine receptor 2; plus strand). Cytogenetic location: 1q43.
Variant type: single nucleotide variant.
Coding change: c.7326G>A on transcript NM_001035.3 (MANE Select); coding-DNA position 7326, G replaced by A.
Protein change: p.Met2442Ile; replaces methionine 2442 with isoleucine.
Molecular consequence: missense variant.
Genome position (GRCh38, 1-based): chr1:237,643,431, G>A. VCF-style: chr1-237643431-G-A. GRCh37 (hg19) VCF-style: chr1-237806731-G-A.
Other names: short protein forms M2442I.
Identifiers: ClinVar variation 1353177 (VCV001353177.7), dbSNP rs2148758415, ClinGen allele CA345397072.

ClinVar aggregate classification (germline): Uncertain significance (1 of 4 stars; one submission).

Conditions:
Catecholaminergic polymorphic ventricular tachycardia 1. Also called: RYR2-Related Catecholaminergic Polymorphic Ventricular Tachycardia; VENTRICULAR TACHYCARDIA, CATECHOLAMINERGIC POLYMORPHIC, 1, WITH OR WITHOUT ATRIAL DYSFUNCTION AND/OR DILATED CARDIOMYOPATHY; VENTRICULAR TACHYCARDIA, STRESS-INDUCED POLYMORPHIC 1. Identifiers: Orphanet 3286, MedGen C1631597, MONDO:0011484, OMIM 604772.

Submission:

Labcorp Genetics (formerly Invitae), Labcorp
Classification: Uncertain significance for Catecholaminergic polymorphic ventricular tachycardia 1. Last evaluated: 2024-08-30. Review status: criteria provided, single submitter. Criteria: Invitae Variant Classification Sherloc (09022015). Collection method: clinical testing. Allele origin: germline.
Comment: This sequence change replaces methionine, which is neutral and non-polar, with isoleucine, which is neutral and non-polar, at codon 2442 of the RYR2 protein (p.Met2442Ile). This variant is not present in population databases (gnomAD no frequency). This variant has not been reported in the literature in individuals affected with RYR2-related conditions. ClinVar contains an entry for this variant (Variation ID: 1353177). Invitae Evidence Modeling of protein sequence and biophysical properties (such as structural, functional, and spatial information, amino acid conservation, physicochemical variation, residue mobility, and thermodynamic stability) indicates that this missense variant is not expected to disrupt RYR2 protein function with a negative predictive value of 95%. In summary, the available evidence is currently insufficient to determine the role of this variant in disease. Therefore, it has been classified as a Variant of Uncertain Significance.